The following is an entry in ClinVar:

ClinVar aggregate classification (germline): Uncertain significance (1 of 4 stars; one submission).

Conditions:
Inborn genetic diseases. Identifiers: MedGen C0950123, MeSH D030342.

gnomAD v4.1: 1 of 1,612,740 alleles (0.000062%); highest among the groups gnomAD compares: Non-Finnish European, 0.000085%; no homozygotes.

Submission:

Ambry Genetics
Classification: Uncertain significance for Inborn genetic diseases. Last evaluated: 2026-06-24. Review status: criteria provided, single submitter. Criteria: Ambry Variant Classification Scheme 2023. Collection method: clinical testing. Allele origin: germline.
Comment: The p.S1650N variant (also known as c.4949G>A), located in coding exon 32 of the ANKRD26 gene, results from a G to A substitution at nucleotide position 4949. The serine at codon 1650 is replaced by asparagine, an amino acid with highly similar properties. This amino acid position is conserved. In addition, this alteration is predicted to be tolerated by in silico analysis. Based on the available evidence, the clinical significance of this variant remains unclear.

NM_014915.3(ANKRD26):c.4949G>A (p.Ser1650Asn)

Gene: ANKRD26 (ankyrin repeat domain 26; minus strand). Cytogenetic location: 10p12.1.
Variant type: single nucleotide variant.
Coding change: c.4949G>A on transcript NM_014915.3 (MANE Select); coding-DNA position 4949, G replaced by A.
Protein change: p.Ser1650Asn; replaces serine 1650 with asparagine.
Molecular consequence: missense variant.
Genome position (GRCh38, 1-based): chr10:27,012,886, C>T on the plus strand (G>A on the coding strand, the complement: ANKRD26 is on the minus strand). VCF-style: chr10-27012886-C-T. GRCh37 (hg19) VCF-style: chr10-27301815-C-T.
Other names: c.4946G>A, p.Ser1649Asn (NM_001256053.2); short protein forms S1649N, S1650N.
Identifiers: ClinVar variation 5022863 (VCV005022863.1).